The following is an entry in ClinVar:

NM_001369.3(DNAH5):c.1522G>A (p.Ala508Thr)

Gene: DNAH5 (dynein axonemal heavy chain 5; minus strand). Cytogenetic location: 5p15.2.
Variant type: single nucleotide variant.
Coding change: c.1522G>A on transcript NM_001369.3 (MANE Select); coding-DNA position 1522, G replaced by A.
Protein change: p.Ala508Thr; replaces alanine 508 with threonine.
Molecular consequence: missense variant.
Genome position (GRCh38, 1-based): chr5:13,913,757, C>T on the plus strand (G>A on the coding strand, the complement: DNAH5 is on the minus strand). VCF-style: chr5-13913757-C-T. GRCh37 (hg19) VCF-style: chr5-13913866-C-T.
Other names: short protein forms A508T.
Identifiers: ClinVar variation 1991513 (VCV001991513.4), dbSNP rs1160013087, ClinGen allele CA359213315.

ClinVar aggregate classification (germline): Uncertain significance (1 of 4 stars; one submission).

Conditions:
Primary ciliary dyskinesia. Also called: Ciliary dyskinesia. Identifiers: Orphanet 244, MedGen C0008780, MONDO:0016575, HP:0012265.

Allele frequency attached by ClinVar (database versions not stated): TOPMed below 0.00001.

Submission:

Labcorp Genetics (formerly Invitae), Labcorp
Classification: Uncertain significance for Primary ciliary dyskinesia. Last evaluated: 2022-06-22. Review status: criteria provided, single submitter. Criteria: Invitae Variant Classification Sherloc (09022015). Collection method: clinical testing. Allele origin: germline.
Comment: In summary, the available evidence is currently insufficient to determine the role of this variant in disease. Therefore, it has been classified as a Variant of Uncertain Significance. Advanced modeling of protein sequence and biophysical properties (such as structural, functional, and spatial information, amino acid conservation, physicochemical variation, residue mobility, and thermodynamic stability) performed at Invitae indicates that this missense variant is not expected to disrupt DNAH5 protein function. This variant has not been reported in the literature in individuals affected with DNAH5-related conditions. This variant is present in population databases (no rsID available, gnomAD 0.0009%). This sequence change replaces alanine, which is neutral and non-polar, with threonine, which is neutral and polar, at codon 508 of the DNAH5 protein (p.Ala508Thr).